The following is an entry in ClinVar:

NM_000069.3(CACNA1S):c.3796-9G>A

Gene: CACNA1S (calcium voltage-gated channel subunit alpha1 S; minus strand). Cytogenetic location: 1q32.1.
Variant type: single nucleotide variant.
Coding change: c.3796-9G>A on transcript NM_000069.3 (MANE Select); 9 bases into the intron before coding-DNA position 3796, G replaced by A.
Molecular consequence: intron variant.
Genome position (GRCh38, 1-based): chr1:201,053,283, C>T on the plus strand (G>A on the coding strand, the complement: CACNA1S is on the minus strand). VCF-style: chr1-201053283-C-T. GRCh37 (hg19) VCF-style: chr1-201022411-C-T.
Other names: p.?.
Identifiers: ClinVar variation 254829 (VCV000254829.33), dbSNP rs142184434, ClinGen allele CA082860.

ClinVar aggregate classification (germline): Benign. Review status: criteria provided, multiple submitters, no conflicts (2 of 4 stars). 15 submissions from 12 submitters: Benign (13). 2 of the submissions do not count toward it. Last evaluated 2026-02-03.

Conditions:
Malignant hyperthermia, susceptibility to, 5 (MHS5). Also called: CACNA1S-Related Malignant Hyperthermia Susceptibility. Identifiers: Orphanet 423, MedGen C1866077, MONDO:0011163, OMIM 601887.
Hypokalemic periodic paralysis, type 1. Also called: HypoPP; Hypokalemic Periodic Paralysis Type 1 (AD). Identifiers: Orphanet 681, MedGen C3714580, MONDO:0042979, OMIM 170400.
Congenital myopathy 18. Also called: DIHYDROPYRIDINE RECEPTOR CONGENITAL MYOPATHY; DHPR CONGENITAL MYOPATHY; Myopathy, congenital, due to dihydropyridine receptor defect. Identifiers: MedGen C5830283, MONDO:0859514, OMIM 620246.
Thyrotoxic periodic paralysis, susceptibility to, 1 (TTPP1). Identifiers: Orphanet 79102, MedGen C2749982, MONDO:0008570, OMIM 188580.

Allele frequency attached by ClinVar (database versions not stated): 1000 Genomes Project 0.00519; 1000 Genomes Project 30x 0.00547; TOPMed 0.01200; ESP Exome Variant Server 0.01407; gnomAD 0.01559 and 0.01603.

Submissions (15):

Labcorp Genetics (formerly Invitae), Labcorp
Classification: Benign for Hypokalemic periodic paralysis, type 1; Malignant hyperthermia, susceptibility to, 5. Last evaluated: 2026-02-03. Review status: criteria provided, single submitter. Criteria: Invitae Variant Classification Sherloc (09022015). Collection method: clinical testing. Allele origin: germline.

ARUP Laboratories, Molecular Genetics and Genomics, ARUP Laboratories
Classification: Benign. Last evaluated: 2024-09-26. Review status: criteria provided, single submitter. Criteria: ARUP Molecular Germline Variant Investigation Process 2024. Collection method: clinical testing. Allele origin: germline.

All of Us Research Program, National Institutes of Health
Classification: Benign for Malignant hyperthermia, susceptibility to, 5. Last evaluated: 2024-02-05. Review status: criteria provided, single submitter. Criteria: ACMG Guidelines, 2015. Collection method: clinical testing. Allele origin: germline. Inheritance: Autosomal dominant inheritance. Observed: 3,466 variant alleles, 3,424 heterozygotes, 42 homozygotes.
Comment: This study involves interpretation of variants in research participants for the purpose of population health screening. Participant phenotype was not available at the time of variant classification. Additional details can be found in publication PMID: 35346344, PMCID: PMC8962531

Genome-Nilou Lab
Classification: Benign for Malignant hyperthermia, susceptibility to, 5. Last evaluated: 2023-04-11. Review status: criteria provided, single submitter. Criteria: ACMG Guidelines, 2015. Collection method: clinical testing. Allele origin: germline. Affected: no.

Genome-Nilou Lab
Classification: Benign for Thyrotoxic periodic paralysis, susceptibility to, 1. Last evaluated: 2023-04-11. Review status: criteria provided, single submitter. Criteria: ACMG Guidelines, 2015. Collection method: clinical testing. Allele origin: germline. Affected: no.

Genome-Nilou Lab
Classification: Benign for Congenital myopathy 18. Last evaluated: 2023-04-11. Review status: criteria provided, single submitter. Criteria: ACMG Guidelines, 2015. Collection method: clinical testing. Allele origin: germline. Affected: no.

Genome-Nilou Lab
Classification: Benign for Hypokalemic periodic paralysis, type 1. Last evaluated: 2023-04-11. Review status: criteria provided, single submitter. Criteria: ACMG Guidelines, 2015. Collection method: clinical testing. Allele origin: germline. Affected: no.

Color Diagnostics, LLC DBA Color Health
Classification: Benign for Malignant hyperthermia, susceptibility to, 5. Last evaluated: 2019-03-29. Review status: criteria provided, single submitter. Criteria: ACMG Guidelines, 2015. Collection method: clinical testing. Allele origin: germline.

Illumina Laboratory Services, Illumina
Classification: Benign for Hypokalemic periodic paralysis, type 1. Last evaluated: 2018-01-13. Review status: criteria provided, single submitter. Criteria: ICSL Variant Classification Criteria 13 December 2019. Collection method: clinical testing. Allele origin: germline.
Comment: This variant was observed in the ICSL laboratory as part of a predisposition screen in an ostensibly healthy population. It had not been previously curated by ICSL or reported in the Human Gene Mutation Database (HGMD: prior to June 1st, 2018), and was therefore a candidate for classification through an automated scoring system. Utilizing variant allele frequency, disease prevalence and penetrance estimates, and inheritance mode, an automated score was calculated to assess if this variant is too frequent to cause the disease. Based on the score and internal cut-off values, a variant classified as benign is not then subjected to further curation. The score for this variant resulted in a classification of benign for this disease.

Mayo Clinic Laboratories, Mayo Clinic
Classification: Benign. Last evaluated: 2018-01-04. Review status: criteria provided, single submitter. Criteria: ACMG Guidelines, 2015. Collection method: clinical testing. Allele origin: germline. Observed: 29 variant alleles.

Athena Diagnostics
Classification: Benign. Last evaluated: 2017-07-21. Review status: criteria provided, single submitter. Criteria: Athena Diagnostics Criteria. Collection method: clinical testing. Allele origin: germline.

GeneDx
Classification: Benign. Last evaluated: 2016-03-11. Review status: criteria provided, single submitter. Criteria: GeneDx Variant Classification (06012015). Collection method: clinical testing. Allele origin: germline. Affected: yes.
Comment: This variant is considered likely benign or benign based on one or more of the following criteria: it is a conservative change, it occurs at a poorly conserved position in the protein, it is predicted to be benign by multiple in silico algorithms, and/or has population frequency not consistent with disease.

PreventionGenetics, part of Exact Sciences
Classification: Benign. Review status: criteria provided, single submitter. Criteria: ACMG Guidelines, 2015. Collection method: clinical testing. Allele origin: germline.

Genome Diagnostics Laboratory, University Medical Center Utrecht
Classification: Benign. Review status: no assertion criteria provided. Collection method: clinical testing. Allele origin: germline. Affected: yes. Study: VKGL Data-share Consensus. Not counted in ClinVar's aggregate classification.

Joint Genome Diagnostic Labs from Nijmegen and Maastricht, Radboudumc and MUMC+
Classification: Benign. Review status: no assertion criteria provided. Collection method: clinical testing. Allele origin: germline. Affected: yes. Study: VKGL Data-share Consensus. Not counted in ClinVar's aggregate classification.